The following is an entry in ClinVar:

ClinVar aggregate classification (germline): Uncertain significance (1 of 4 stars; one submission).

Submission:

Labcorp Genetics (formerly Invitae), Labcorp
Classification: Uncertain significance. Last evaluated: 2022-07-23. Review status: criteria provided, single submitter. Criteria: Invitae Variant Classification Sherloc (09022015). Collection method: clinical testing. Allele origin: germline.
Comment: In summary, the available evidence is currently insufficient to determine the role of this variant in disease. Therefore, it has been classified as a Variant of Uncertain Significance. Algorithms developed to predict the effect of missense changes on protein structure and function (SIFT, PolyPhen-2, Align-GVGD) all suggest that this variant is likely to be tolerated. This variant has not been reported in the literature in individuals affected with PDSS2-related conditions. This variant is not present in population databases (gnomAD no frequency). This sequence change replaces asparagine, which is neutral and polar, with serine, which is neutral and polar, at codon 370 of the PDSS2 protein (p.Asn370Ser).

NM_020381.4(PDSS2):c.1109A>G (p.Asn370Ser)

Gene: PDSS2 (decaprenyl diphosphate synthase subunit 2; minus strand). Cytogenetic location: 6q21.
Variant type: single nucleotide variant.
Coding change: c.1109A>G on transcript NM_020381.4 (MANE Select); coding-DNA position 1109, A replaced by G.
Protein change: p.Asn370Ser; replaces asparagine 370 with serine.
Molecular consequence: missense variant.
Genome position (GRCh38, 1-based): chr6:107,154,710, T>C on the plus strand (A>G on the coding strand, the complement: PDSS2 is on the minus strand). VCF-style: chr6-107154710-T-C. GRCh37 (hg19) VCF-style: chr6-107475914-T-C.
Other names: short protein forms N370S.
Identifiers: ClinVar variation 2019218 (VCV002019218.4), dbSNP rs2482783671, ClinGen allele CA365322025.